The following is an entry in ClinVar:

ClinVar aggregate classification (germline): Likely benign. Review status: criteria provided, multiple submitters, no conflicts (2 of 4 stars). 3 submissions from 3 submitters: Likely benign (3). Last evaluated 2018-06-28.

Conditions:
Bilateral frontoparietal polymicrogyria. Also called: CEREBELLAR ATAXIA WITH NEURONAL MIGRATION DEFECT; CORTICAL DYSPLASIA, COMPLEX, WITH OTHER BRAIN MALFORMATIONS 14A (BILATERAL FRONTOPARIETAL). Identifiers: Orphanet 101070, MedGen C1847352, MONDO:0011738, OMIM 606854.

Allele frequency attached by ClinVar (database versions not stated): 1000 Genomes Project 30x 0.00484; 1000 Genomes Project 0.00499; TOPMed 0.01620.
gnomAD v4.1: 8,309 of 477,328 alleles (1.7%); highest among the groups gnomAD compares: Non-Finnish European, 2.6%; 98 homozygotes.

Submissions (3):

GeneDx
Classification: Likely benign. Last evaluated: 2018-06-28. Review status: criteria provided, single submitter. Criteria: GeneDx Variant Classification Process June 2021. Collection method: clinical testing. Allele origin: germline. Affected: yes.

Illumina Laboratory Services, Illumina
Classification: Likely benign for Bilateral frontoparietal polymicrogyria. Last evaluated: 2018-01-13. Review status: criteria provided, single submitter. Criteria: ICSL Variant Classification Criteria 13 December 2019. Collection method: clinical testing. Allele origin: germline.
Comment: This variant was observed in the ICSL laboratory as part of a predisposition screen in an ostensibly healthy population. It had not been previously curated by ICSL or reported in the Human Gene Mutation Database (HGMD: prior to June 1st, 2018), and was therefore a candidate for classification through an automated scoring system. Utilizing variant allele frequency, disease prevalence and penetrance estimates, and inheritance mode, an automated score was calculated to assess if this variant is too frequent to cause the disease. Based on the score and internal cut-off values, a variant classified as likely benign is not then subjected to further curation. The score for this variant resulted in a classification of likely benign for this disease.

Breakthrough Genomics
Classification: Likely benign. Review status: criteria provided, single submitter. Criteria: ACMG Guidelines, 2015. Collection method: not provided. Allele origin: germline. Inheritance: Autosomal recessive inheritance. Affected: yes.

NM_201525.4(ADGRG1):c.*304C>A

Gene: ADGRG1 (adhesion G protein-coupled receptor G1; plus strand). Cytogenetic location: 16q21.
Variant type: single nucleotide variant.
Coding change: c.*304C>A on transcript NM_201525.4 (MANE Select); 304 bases downstream of the stop codon, C replaced by A.
Molecular consequence: 3 prime UTR variant.
Genome position (GRCh38, 1-based): chr16:57,663,886, C>A. VCF-style: chr16-57663886-C-A. GRCh37 (hg19) VCF-style: chr16-57697798-C-A.
Other names: c.*304C>A (NM_001145770.3, NM_001145771.3, NM_001145772.3 and 25 more transcripts).
Identifiers: ClinVar variation 885910 (VCV000885910.7), dbSNP rs35572780, ClinGen allele CA14299267.